The following is an entry in ClinVar:

NM_002474.3(MYH11):c.1034-11C>T

Gene: MYH11 (myosin heavy chain 11; minus strand). Cytogenetic location: 16p13.11.
Variant type: single nucleotide variant.
Coding change: c.1034-11C>T on transcript NM_002474.3 (MANE Select); 11 bases into the intron before coding-DNA position 1034, C replaced by T.
Molecular consequence: intron variant.
Genome position (GRCh38, 1-based): chr16:15,763,902, G>A on the plus strand (C>T on the coding strand, the complement: MYH11 is on the minus strand). VCF-style: chr16-15763902-G-A. GRCh37 (hg19) VCF-style: chr16-15857759-G-A.
Other names: c.1034-11C>T (NM_022844.3); c.1055-11C>T (NM_001040114.2, NM_001040113.2).
Identifiers: ClinVar variation 629822 (VCV000629822.8), dbSNP rs1334727126, ClinGen allele CA621061025.
Genomic context (GRCh38, chr16:15,763,902, plus strand): 5'-GAAGACGATATTTCCAAGCTGCAGGACCGATGATACCACCTTCAATATGGCTGAGGTGGG[G>A]AGAGAAGGGCAGAGCAGACACAAAGGTCAATGCCAAGGTACCCTGGAGTTTTGGAGCCTA-3'

ClinVar aggregate classification (germline): Likely benign. Review status: criteria provided, multiple submitters, no conflicts (2 of 4 stars). 4 submissions from 4 submitters: Likely benign (4). Last evaluated 2025-06-05.

Conditions:
Familial thoracic aortic aneurysm and aortic dissection (TAAD). Also called: Thoracic aortic aneurysms and dissections. Identifiers: Orphanet 91387, MedGen C4707243, MONDO:0019625.
Aortic aneurysm, familial thoracic 4 (AAT4). Also called: AORTIC ANEURYSM/AORTIC DISSECTION AND PATENT DUCTUS ARTERIOSUS. Identifiers: MedGen C1851504, MONDO:0007568, OMIM 132900.

Allele frequency attached by ClinVar (database versions not stated): gnomAD exomes 0.00002 and 0.00003; TOPMed 0.00002; gnomAD 0.00003.

Submissions (4):

Labcorp Genetics (formerly Invitae), Labcorp
Classification: Likely benign for Aortic aneurysm, familial thoracic 4. Last evaluated: 2025-06-05. Review status: criteria provided, single submitter. Criteria: Invitae Variant Classification Sherloc (09022015). Collection method: clinical testing. Allele origin: germline.

Women's Health and Genetics/Laboratory Corporation of America, LabCorp
Classification: Likely benign. Last evaluated: 2024-02-19. Review status: criteria provided, single submitter. Criteria: LabCorp Variant Classification Summary - May 2015. Collection method: clinical testing. Allele origin: germline.

All of Us Research Program, National Institutes of Health
Classification: Likely benign for Familial thoracic aortic aneurysm and aortic dissection. Last evaluated: 2023-12-18. Review status: criteria provided, single submitter. Criteria: ACMG Guidelines, 2015. Collection method: clinical testing. Allele origin: germline. Inheritance: Autosomal dominant inheritance. Observed: 9 variant alleles, 9 heterozygotes.
Comment: This study involves interpretation of variants in research participants for the purpose of population health screening. Participant phenotype was not available at the time of variant classification. Additional details can be found in publication PMID: 35346344, PMCID: PMC8962531

Color Diagnostics, LLC DBA Color Health
Classification: Likely benign for Familial thoracic aortic aneurysm and aortic dissection. Last evaluated: 2018-10-24. Review status: criteria provided, single submitter. Criteria: ACMG Guidelines, 2015. Collection method: clinical testing. Allele origin: germline.